The following is an entry in ClinVar:

ClinVar aggregate classification (germline): Likely benign (1 of 4 stars; one submission).

Submission:

CeGaT Center for Human Genetics Tuebingen
Classification: Likely benign. Last evaluated: 2026-03-01. Review status: criteria provided, single submitter. Criteria: CeGaT Center For Human Genetics Tuebingen Variant Classification Criteria Version 2. Collection method: clinical testing. Allele origin: germline. Affected: yes. Observed: 2 variant alleles.
Comment: RBMXL3: BP4, BP7

NM_001145346.2(RBMXL3):c.1476T>C (p.Ser492=)

Genes: LRCH2 (leucine rich repeats and calponin homology domain containing 2; minus strand), RBMXL3 (RBMX like 3; plus strand). Cytogenetic location: Xq23.
Variant type: single nucleotide variant.
Coding change: c.1476T>C on transcript NM_001145346.2 (MANE Select); coding-DNA position 1476, T replaced by C.
Protein change: p.Ser492=; no amino-acid change (serine 492 retained).
Molecular consequence: synonymous variant. On other transcripts: intron variant (2).
Genome position (GRCh38, 1-based): chrX:115,190,917, T>C. VCF-style: chrX-115190917-T-C. GRCh37 (hg19) VCF-style: chrX-114425480-T-C.
Other names: c.350-2547A>G (NM_001243963.2, NM_020871.4).
Identifiers: ClinVar variation 2661236 (VCV002661236.24), dbSNP rs1331172824, ClinGen allele CA518442658.